The following is an entry in ClinVar:

NC_012920.1(MT-ND6):m.14568C>T

Gene: MT-ND6 (mitochondrially encoded NADH dehydrogenase 6; minus strand).
Variant type: single nucleotide variant.
Genome position: chrM-14568-C-T.
Identifiers: ClinVar variation 65515 (VCV000065515.5), dbSNP rs397515506, ClinGen allele CA344825.

ClinVar aggregate classification (germline): Likely pathogenic. Review status: reviewed by expert panel (3 of 4 stars). 3 submissions from 3 submitters: Likely pathogenic (1). 2 of the submissions do not count toward it. Last evaluated 2022-06-30.

Conditions:
Mitochondrial disease. Also called: Mitochondrial disorder; Mitochondrial disorders. Identifiers: Orphanet 68380, MedGen C0751651, MeSH D028361, MONDO:0044970.
Leber optic atrophy (LHON). Also called: Leber's disease; Leber's optic atrophy; Leber hereditary optic neuropathy; Optic Atrophy, Hereditary, Leber. Identifiers: Orphanet 104, MedGen C0917796, MONDO:0010788, OMIM 535000, HP:0001112.

Submissions (3):

ClinGen Mitochondrial Disease Nuclear and Mitochondrial  Variant Curation Expert Panel, ClinGen
Classification: Likely pathogenic for Mitochondrial disease. Last evaluated: 2022-06-30. Review status: reviewed by expert panel. Criteria: clingen mito disease acmg specifications v1-1. Collection method: curation. Allele origin: germline. Inheritance: Mitochondrial inheritance.
Comment: The m.14568C>T (p.G36S) variant in MT-ND6 has been reported in eight individuals from seven families, all of whom had LHON (PS4_moderate; PMIDs: 10447650, 19319978, 12324878, 22879922, 9177303). There are no reports of de novo occurrences to our knowledge. This variant segregated with disease in one family with LHON (affected individuals: proband and brother with heteroplasmy levels ranging from 60-90%; unaffected individuals: mother and maternal aunt with lower heteroplasmy levels; PP1_moderate; PMID: 22879922). There are several occurrences in population databases, however some of these are from reported affected individuals. Although there are several occurrences, the frequency is still low (PM2_supporting). The computational predictor APOGEE gives a consensus rating of pathogenic with a score of 0.9 (Min=0, Max=1), which predicts a damaging effect on gene function (PP3). There are no cybrid studies, single fiber studies, or other functional assays reported for this variant. In summary, this variant meets criteria to be classified as likely pathogenic for primary mitochondrial disease inherited in a mitochondrial manner. This classification was approved by the NICHD/NINDS U24 Mitochondrial Disease Variant Curation Expert Panel on April 11, 2022. Mitochondrial DNA-specific ACMG/AMP criteria applied (PMID: 32906214): PS4_moderate, PP1_moderate, PM2_supporting, PP3.

Mendelics
Classification: Pathogenic for Leber optic atrophy. Last evaluated: 2022-05-04. Review status: criteria provided, single submitter. Criteria: Mendelics Assertion Criteria 2019. Collection method: clinical testing. Allele origin: germline. Not counted in ClinVar's aggregate classification.

GeneReviews
No classification provided. Condition: Leber optic atrophy. Review status: no classification provided. Collection method: literature only. Allele origin: maternal. Not counted in ClinVar's aggregate classification.
Comment: This mitochondrial DNA variant affects function. It hase been identified in at least two independent LHON pedigrees and segregates with affected disease status.

Literature cited by the submitters: PubMed 30143805 (cited by GeneReviews); PubMed 20301353 (cited by GeneReviews).